The following is an entry in ClinVar:

NM_201596.3(CACNB2):c.1405A>G (p.Ser469Gly)

Gene: CACNB2 (calcium voltage-gated channel auxiliary subunit beta 2; plus strand). Cytogenetic location: 10p12.31.
Variant type: single nucleotide variant.
Coding change: c.1405A>G on transcript NM_201596.3 (MANE Select); coding-DNA position 1405, A replaced by G.
Protein change: p.Ser469Gly; replaces serine 469 with glycine.
Molecular consequence: missense variant.
Genome position (GRCh38, 1-based): chr10:18,538,282, A>G. VCF-style: chr10-18538282-A-G. GRCh37 (hg19) VCF-style: chr10-18827211-A-G.
Other names: c.1240A>G, p.Ser414Gly (NM_000724.4); c.1207A>G, p.Ser403Gly (NM_001167945.2); c.1126A>G, p.Ser376Gly (NM_001330060.2); c.1147A>G, p.Ser383Gly (NM_001410882.1); c.1261A>G, p.Ser421Gly (NM_201570.3); c.1321A>G, p.Ser441Gly (NM_201571.4); c.1249A>G, p.Ser417Gly (NM_201572.4); c.1243A>G, p.Ser415Gly (NM_201590.3); and 2 more; short protein forms S431G, S415G, S417G, S383G, S403G, S441G, S376G, S414G.
Identifiers: ClinVar variation 1758797 (VCV001758797.2), dbSNP rs1305784565, ClinGen allele CA376070410.

ClinVar aggregate classification (germline): Uncertain significance (1 of 4 stars; one submission).

Conditions:
Cardiovascular phenotype. Identifiers: MedGen CN230736.

Allele frequency attached by ClinVar (database versions not stated): gnomAD 0.00001; TOPMed 0.00002.
gnomAD v4.1: 1 of 1,614,058 alleles (0.000062%); highest among the groups gnomAD compares: Non-Finnish European, 0.000085%; no homozygotes.

Submission:

Ambry Genetics
Classification: Uncertain significance for Cardiovascular phenotype. Last evaluated: 2020-11-20. Review status: criteria provided, single submitter. Criteria: Ambry Variant Classification Scheme 2023. Collection method: clinical testing. Allele origin: germline.
Comment: The p.S415G variant (also known as c.1243A>G), located in coding exon 12 of the CACNB2 gene, results from an A to G substitution at nucleotide position 1243. The serine at codon 415 is replaced by glycine, an amino acid with similar properties. This amino acid position is not well conserved in available vertebrate species. In addition, this alteration is predicted to be tolerated by in silico analysis. Since supporting evidence is limited at this time, the clinical significance of this alteration remains unclear.